The following is an entry in ClinVar:

NM_000784.4(CYP27A1):c.335C>T (p.Pro112Leu)

Gene: CYP27A1 (cytochrome P450 family 27 subfamily A member 1; plus strand). Cytogenetic location: 2q35.
Variant type: single nucleotide variant.
Coding change: c.335C>T on transcript NM_000784.4 (MANE Select); coding-DNA position 335, C replaced by T.
Protein change: p.Pro112Leu; replaces proline 112 with leucine.
Molecular consequence: missense variant.
Genome position (GRCh38, 1-based): chr2:218,809,656, C>T. VCF-style: chr2-218809656-C-T. GRCh37 (hg19) VCF-style: chr2-219674379-C-T.
Other names: p.Pro112Leu; short protein forms P112L.
Identifiers: ClinVar variation 1378445 (VCV001378445.4), dbSNP rs531504325, ClinGen allele CA2112570.

ClinVar aggregate classification (germline): Uncertain significance. Review status: criteria provided, multiple submitters, no conflicts (2 of 4 stars). 2 submissions from 2 submitters: Uncertain significance (2). Last evaluated 2024-07-18.

Conditions:
Cholestanol storage disease (CTX). Also called: CEREBRAL CHOLESTERINOSIS; Cerebrotendinous Xanthomatosis; CTX: Cerebrotendinous xanthomatosis. Identifiers: Orphanet 909, MedGen C0238052, MONDO:0008948, OMIM 213700.

Allele frequency attached by ClinVar (database versions not stated): gnomAD 0.00001 and 0.00002; TOPMed 0.00002; gnomAD exomes 0.00004; ExAC 0.00005; 1000 Genomes Project 0.00020; 1000 Genomes Project 30x 0.00031.
gnomAD v4.1: 49 of 1,614,116 alleles (0.003%); highest among the groups gnomAD compares: South Asian, 0.021%; no homozygotes.

Submissions (2):

Mayo Clinic Laboratories, Mayo Clinic
Classification: Uncertain significance. Last evaluated: 2024-07-18. Review status: criteria provided, single submitter. Criteria: ACMG Guidelines, 2015. Collection method: clinical testing. Allele origin: germline. Observed: 1 variant allele.
Comment: BP4

Labcorp Genetics (formerly Invitae), Labcorp
Classification: Uncertain significance for Cholestanol storage disease. Last evaluated: 2022-10-14. Review status: criteria provided, single submitter. Criteria: Invitae Variant Classification Sherloc (09022015). Collection method: clinical testing. Allele origin: germline.
Comment: This sequence change replaces proline, which is neutral and non-polar, with leucine, which is neutral and non-polar, at codon 112 of the CYP27A1 protein (p.Pro112Leu). This variant is present in population databases (rs531504325, gnomAD 0.02%). This variant has not been reported in the literature in individuals affected with CYP27A1-related conditions. ClinVar contains an entry for this variant (Variation ID: 1378445). Advanced modeling of protein sequence and biophysical properties (such as structural, functional, and spatial information, amino acid conservation, physicochemical variation, residue mobility, and thermodynamic stability) performed at Invitae indicates that this missense variant is not expected to disrupt CYP27A1 protein function. In summary, the available evidence is currently insufficient to determine the role of this variant in disease. Therefore, it has been classified as a Variant of Uncertain Significance.